The following is an entry in ClinVar:

NM_016363.5(GP6):c.104G>C (p.Ser35Thr)

Gene: GP6 (glycoprotein VI platelet; minus strand). Cytogenetic location: 19q13.42.
Variant type: single nucleotide variant.
Coding change: c.104G>C on transcript NM_016363.5 (MANE Select); coding-DNA position 104, G replaced by C.
Protein change: p.Ser35Thr; replaces serine 35 with threonine.
Molecular consequence: missense variant.
Genome position (GRCh38, 1-based): chr19:55,032,360, C>G on the plus strand (G>C on the coding strand, the complement: GP6 is on the minus strand). VCF-style: chr19-55032360-C-G. GRCh37 (hg19) VCF-style: chr19-55543728-C-G.
Other names: p.Ser35Thr; c.104G>C, p.Ser35Thr (NM_001083899.2, NM_001256017.2); short protein forms S35T.
Identifiers: ClinVar variation 3251924 (VCV003251924.2), dbSNP rs200313847.

ClinVar aggregate classification (germline): Uncertain significance. Review status: criteria provided, multiple submitters, no conflicts (2 of 4 stars). 2 submissions from 2 submitters: Uncertain significance (2). Last evaluated 2025-09-17.

Allele frequency attached by ClinVar (database versions not stated): ExAC 0.00016; gnomAD 0.00021; TOPMed 0.00025; 1000 Genomes Project 30x 0.00016; gnomAD exomes 0.00017; ESP Exome Variant Server 0.00016; 1000 Genomes Project 0.00020.
gnomAD v4.1: 279 of 1,613,796 alleles (0.017%); highest among the groups gnomAD compares: Admixed American, 0.065%; no homozygotes.

Submissions (2):

Mayo Clinic Laboratories, Mayo Clinic
Classification: Uncertain significance. Last evaluated: 2025-09-17. Review status: criteria provided, single submitter. Criteria: ACMG Guidelines, 2015. Collection method: clinical testing. Allele origin: germline. Observed: 1 variant allele.
Comment: BP4_moderate

Women's Health and Genetics/Laboratory Corporation of America, LabCorp
Classification: Uncertain significance. Last evaluated: 2024-04-29. Review status: criteria provided, single submitter. Criteria: LabCorp Variant Classification Summary - May 2015. Collection method: clinical testing. Allele origin: germline.
Comment: Variant summary: GP6 c.104G>C (p.Ser35Thr) results in a conservative amino acid change in the encoded protein sequence. Three of five in-silico tools predict a benign effect of the variant on protein function. The variant allele was found at a frequency of 0.00015 in 247264 control chromosomes. The available data on variant occurrences in the general population are insufficient to allow any conclusion about variant significance. To our knowledge, no occurrence of c.104G>C in individuals affected with Platelet-Type Bleeding Disorder 11 and no experimental evidence demonstrating its impact on protein function have been reported. No submitters have cited clinical-significance assessments for this variant to ClinVar. Based on the evidence outlined above, the variant was classified as uncertain significance.

Literature cited by the submitters: PubMed 28748566 (cited by Mayo Clinic Laboratories, Mayo Clinic).